The following is an entry in ClinVar:

ClinVar aggregate classification (germline): Likely benign (1 of 4 stars; one submission).

Conditions:
AKR1C4-related disorder. Also called: AKR1C4-related condition.

Submission:

PreventionGenetics, part of Exact Sciences
Classification: Likely benign for AKR1C4-related condition. Last evaluated: 2025-04-30. Review status: criteria provided, single submitter. Criteria: ACMG Guidelines, 2015. Collection method: clinical testing. Allele origin: germline.
Comment: This variant is classified as likely benign based on ACMG/AMP sequence variant interpretation guidelines (Richards et al. 2015 PMID: 25741868, with internal and published modifications).

NM_001818.5(AKR1C4):c.606G>A (p.Leu202=)

Gene: AKR1C4 (aldo-keto reductase family 1 member C4; plus strand). Cytogenetic location: 10p15.1.
Variant type: single nucleotide variant.
Coding change: c.606G>A on transcript NM_001818.5 (MANE Select); coding-DNA position 606, G replaced by A.
Protein change: p.Leu202=; no amino-acid change (leucine 202 retained).
Molecular consequence: synonymous variant.
Genome position (GRCh38, 1-based): chr10:5,212,651, G>A. VCF-style: chr10-5212651-G-A. GRCh37 (hg19) VCF-style: chr10-5254614-G-A.
Identifiers: ClinVar variation 4990768 (VCV004990768.1).